The following is an entry in ClinVar:

ClinVar aggregate classification (germline): Likely benign. Review status: criteria provided, multiple submitters, no conflicts (2 of 4 stars). 3 submissions from 3 submitters: Likely benign (2). 1 of the submissions does not count toward it. Last evaluated 2023-04-26.

Conditions:
CACNA1H-related disorder.
Idiopathic generalized epilepsy. Also called: Generalised epilepsy; EIG. Identifiers: MedGen C0270850, MONDO:0005579, OMIM 600669.
Hyperaldosteronism, familial, type IV (HALD4). Also called: FH IV; ALDOSTERONISM, PRIMARY, AND HYPERTENSION. Identifiers: Orphanet 642671, MedGen C4310756, MONDO:0014875, OMIM 617027.

Allele frequency attached by ClinVar (database versions not stated): TOPMed 0.00002; gnomAD exomes 0.00003; gnomAD 0.00005; ExAC 0.00009; 1000 Genomes Project 0.00020; 1000 Genomes Project 30x 0.00031.
gnomAD v4.1: 49 of 1,584,676 alleles (0.0031%); highest among the groups gnomAD compares: Admixed American, 0.018%; no homozygotes.

Submissions (3):

Blueprint Genetics
Classification: Likely benign. Last evaluated: 2023-04-26. Review status: criteria provided, single submitter. Criteria: ACMG Guidelines, 2015. Collection method: clinical testing. Allele origin: germline.

Labcorp Genetics (formerly Invitae), Labcorp
Classification: Likely benign for Idiopathic generalized epilepsy; Hyperaldosteronism, familial, type IV. Last evaluated: 2023-03-17. Review status: criteria provided, single submitter. Criteria: Invitae Variant Classification Sherloc (09022015). Collection method: clinical testing. Allele origin: germline.

PreventionGenetics, part of Exact Sciences
Classification: Likely benign for CACNA1H-related condition. Last evaluated: 2019-09-19. Review status: no assertion criteria provided. Collection method: clinical testing. Allele origin: germline. Not counted in ClinVar's aggregate classification.
Comment: This variant is classified as likely benign based on ACMG/AMP sequence variant interpretation guidelines (Richards et al. 2015 PMID: 25741868, with internal and published modifications).

NM_021098.3(CACNA1H):c.2628G>A (p.Ala876=)

Gene: CACNA1H (calcium voltage-gated channel subunit alpha1 H; plus strand). Cytogenetic location: 16p13.3.
Variant type: single nucleotide variant.
Coding change: c.2628G>A on transcript NM_021098.3 (MANE Select); coding-DNA position 2628, G replaced by A.
Protein change: p.Ala876=; no amino-acid change (alanine 876 retained).
Molecular consequence: synonymous variant.
Genome position (GRCh38, 1-based): chr16:1,206,128, G>A. VCF-style: chr16-1206128-G-A. GRCh37 (hg19) VCF-style: chr16-1256128-G-A.
Other names: c.2628G>A, p.Ala876= (NM_001005407.2); c.2628G>A (NM_021098.2).
Identifiers: ClinVar variation 2048829 (VCV002048829.7), dbSNP rs564863554, ClinGen allele CA7800391.